The following continues an entry in ClinVar:

NM_000059.4(BRCA2):c.6131G>T (p.Gly2044Val)

Gene: BRCA2. ClinVar aggregate classification (germline): Conflicting classifications of pathogenicity. Uncertain significance (1); Benign (6); Likely benign (8).

Submission 19 of 19:

Department of Pathology and Laboratory Medicine, Sinai Health System
Classification: Likely benign for Malignant tumor of breast. Review status: no assertion criteria provided. Collection method: clinical testing. Allele origin: unknown. Affected: yes. Study: The Canadian Open Genetics Repository (COGR). Not counted in ClinVar's aggregate classification.
Comment: The BRCA2 p.Gly2044Val variant was identified in 15 of 5097 proband chromosomes (frequency: 0.003) from Korean, Japanese, Brazilian and Hawaiian individuals or families with with breast or ovarian cancer or a family history of breast and ovarian cancers, and was present in 1 of 724 control chromosomes from healthy individuals (Carney 2010, Han S-H 2006, Hirotsu 2014, Jalkh 2012, Kawahara 2004 , Kim 2006, Silva 2014, Sugano 2008). The variant was also identified in dbSNP (ID: rs56191579) â€šÃ„ÃºWith other alleleâ€šÃ„Ã¹, ClinVar (with conflicting interpretations of pathogenicity; submitters: benign by Ambry Genetics and Sharing Clinical Reports Project (SCRP); likely benign by Counsyl, GeneDx, Invitae and Genetic Services Laboratory (University of Chicago); uncertain significance by BIC and Laboratory of Genomics and Molecular Biology (A.C.Camargo Cancer Center)), Clinvitae (5x), BIC Database (10x with clinical importance unknown, classification pending), and in control databases in 10 of 245748 chromosomes at a frequency of 0.00004 increasing the likelihood that this may be a low frequency benign variant in certain populations of origin (Genome Aggregation Consortium Feb 27, 2017), being identified in the following populations: European Non-Finnish in 1 of 111442 chromosomes (frequency: 0.000009) and East Asian in 9 of 17242 chromosomes (frequency: 0.0005). The variant was not identified in Genesight-COGR, Cosmic, LOVD 3.0, ARUP Laboratories, and Zhejiang Colon Cancer Database. The p.Gly2044 residue is not conserved in mammals and four out of five computational analyses (PolyPhen-2, SIFT, AlignGVGD, BLOSUM, MutationTaster) do not suggest a high likelihood of impact to the protein; however, this information is not predictive enough to rule out pathogenicity. The variant occurs outside of the splicing consensus sequence and in silico or computational prediction software programs (SpliceSiteFinder, MaxEntScan, NNSPLICE, GeneSplicer, HumanSpliceFinder) do not predict a difference in splicing. In summary, based on the above information the clinical significance of this variant cannot be determined with certainty at this time although we would lean towards a more benign role for this variant. This variant is classified as likely benign.

Literature cited by the submitters: PubMed 25802882 (cited by Quest Diagnostics Nichols Institute San Juan Capistrano and Women's Health and Genetics/Laboratory Corporation of America, LabCorp); PubMed 19016756 (cited by 3 submitters); PubMed 15168169 (cited by 3 submitters); PubMed 19491284 (cited by Quest Diagnostics Nichols Institute San Juan Capistrano and Women's Health and Genetics/Laboratory Corporation of America, LabCorp); PubMed 17100994 (cited by 3 submitters); PubMed 16949048 (cited by 3 submitters); PubMed 24884479 (cited by Quest Diagnostics Nichols Institute San Juan Capistrano and Women's Health and Genetics/Laboratory Corporation of America, LabCorp); PubMed 27383479 (cited by Quest Diagnostics Nichols Institute San Juan Capistrano); PubMed 29215753 (cited by Quest Diagnostics Nichols Institute San Juan Capistrano and Women's Health and Genetics/Laboratory Corporation of America, LabCorp); PubMed 21218378 (cited by Women's Health and Genetics/Laboratory Corporation of America, LabCorp and Counsyl); PubMed 23555315 (cited by Women's Health and Genetics/Laboratory Corporation of America, LabCorp); PubMed 12624724 (cited by Women's Health and Genetics/Laboratory Corporation of America, LabCorp and Counsyl); PubMed 18779604 (cited by Women's Health and Genetics/Laboratory Corporation of America, LabCorp and Counsyl); PubMed 26332594 (cited by Women's Health and Genetics/Laboratory Corporation of America, LabCorp); PubMed 28111427 (cited by Women's Health and Genetics/Laboratory Corporation of America, LabCorp); PubMed 28288110 (cited by Women's Health and Genetics/Laboratory Corporation of America, LabCorp); PubMed 28422718 (cited by Women's Health and Genetics/Laboratory Corporation of America, LabCorp); PubMed 29642553 (cited by Women's Health and Genetics/Laboratory Corporation of America, LabCorp); PubMed 29667044 (cited by Women's Health and Genetics/Laboratory Corporation of America, LabCorp); PubMed 29802286 (cited by Women's Health and Genetics/Laboratory Corporation of America, LabCorp); PubMed 23469205 (cited by Clinical and Functional Genomics Group, A.C.Camargo Cancer Center).